The following is an entry in ClinVar:

NM_032608.7(MYO18B):c.1924C>T (p.Arg642Trp)

Gene: MYO18B (myosin XVIIIB; plus strand). Cytogenetic location: 22q12.1.
Variant type: single nucleotide variant.
Coding change: c.1924C>T on transcript NM_032608.7 (MANE Select); coding-DNA position 1924, C replaced by T.
Protein change: p.Arg642Trp; replaces arginine 642 with tryptophan.
Molecular consequence: missense variant.
Genome position (GRCh38, 1-based): chr22:25,777,637, C>T. VCF-style: chr22-25777637-C-T. GRCh37 (hg19) VCF-style: chr22-26173604-C-T.
Other names: c.1924C>T (NM_032608.5); c.1924C>T, p.Arg642Trp (NM_001318245.2); short protein forms R642W.
Identifiers: ClinVar variation 1416445 (VCV001416445.7), dbSNP rs375592454, ClinGen allele CA10160010.

ClinVar aggregate classification (germline): Uncertain significance. Review status: criteria provided, multiple submitters, no conflicts (2 of 4 stars). 2 submissions from 2 submitters: Uncertain significance (2). Last evaluated 2025-10-15.

Conditions:
Inborn genetic diseases. Identifiers: MedGen C0950123, MeSH D030342.

Allele frequency attached by ClinVar (database versions not stated): gnomAD 0.00007; gnomAD exomes 0.00004 and 0.00002; ExAC 0.00006; ESP Exome Variant Server 0.00008; TOPMed 0.00007.
gnomAD v4.1: 35 of 1,610,988 alleles (0.0022%); highest among the groups gnomAD compares: African/African-American, 0.011%; no homozygotes.

Submissions (2):

Ambry Genetics
Classification: Uncertain significance for Inborn genetic diseases. Last evaluated: 2025-10-15. Review status: criteria provided, single submitter. Criteria: Ambry Variant Classification Scheme 2023. Collection method: clinical testing. Allele origin: germline.

Labcorp Genetics (formerly Invitae), Labcorp
Classification: Uncertain significance. Last evaluated: 2022-06-20. Review status: criteria provided, single submitter. Criteria: Invitae Variant Classification Sherloc (09022015). Collection method: clinical testing. Allele origin: germline.
Comment: This sequence change replaces arginine with tryptophan at codon 642 of the MYO18B protein (p.Arg642Trp). The arginine residue is moderately conserved and there is a moderate physicochemical difference between arginine and tryptophan. This variant is present in population databases (rs375592454, gnomAD 0.01%). This variant has not been reported in the literature in individuals affected with MYO18B-related conditions. Algorithms developed to predict the effect of missense changes on protein structure and function are either unavailable or do not agree on the potential impact of this missense change (SIFT: "Not Available"; PolyPhen-2: "Probably Damaging"; Align-GVGD: "Not Available"). In summary, the available evidence is currently insufficient to determine the role of this variant in disease. Therefore, it has been classified as a Variant of Uncertain Significance.